The following is an entry in ClinVar:

NM_007294.4(BRCA1):c.2529_2530del (p.Ser844fs)

Gene: BRCA1 (BRCA1 DNA repair associated; minus strand). Cytogenetic location: 17q21.31.
Variant type: Deletion.
Coding change: c.2529_2530del on transcript NM_007294.4 (MANE Select); coding-DNA positions 2529 to 2530, 2 bases deleted (AA; older notation c.2529_2530delAA).
Protein change: p.Ser844fs; shifts the reading frame from serine 844.
Molecular consequence: frameshift variant. On other transcripts: intron variant (137).
Genome position (GRCh38, 1-based): chr17:43,093,001-43,093,002, TT deleted on the plus strand (AA on the coding strand, the reverse complement: BRCA1 is on the minus strand). VCF-style (leftmost placement, unchanged base first): chr17-43093000-CTT-C. GRCh37 (hg19) VCF-style: chr17-41245017-CTT-C.
Other names: 2648delAA; c.2388_2389del, p.Ser797fs (NM_001407697.1, NM_001407698.1, NM_001407724.1 and 29 more transcripts); c.2385_2386del, p.Ser796fs (NM_001407740.1, NM_001407741.1, NM_001407742.1 and 20 more transcripts); c.2325_2326del, p.Ser776fs (NM_001407874.1, NM_001407875.1); c.2319_2320del, p.Ser774fs (NM_001407879.1, NM_001407881.1, NM_001407882.1 and 13 more transcripts); c.2316_2317del, p.Ser773fs (NM_001407915.1, NM_001407916.1, NM_001407571.1 and 9 more transcripts); c.2265_2266del, p.Ser756fs (NM_001407927.1, NM_001407928.1, NM_001407929.1 and 9 more transcripts); c.2262_2263del, p.Ser755fs (NM_001407930.1, NM_001407931.1, NM_001407932.1 and 2 more transcripts); and 43 more; short protein forms S797fs, S844fs, S716fs, S756fs, S776fs, S796fs, S817fs, S843fs.
Identifiers: ClinVar variation 266274 (VCV000266274.6), dbSNP rs886040046, ClinGen allele CA10589841.

ClinVar aggregate classification (germline): Pathogenic. Review status: reviewed by expert panel (3 of 4 stars). 2 submissions from 2 submitters: Pathogenic (1). 1 of the submissions does not count toward it. Last evaluated 2016-10-18.

Conditions:
Breast-ovarian cancer, familial, susceptibility to, 1 (BROVCA1). Also called: BRCA1 Hereditary Breast and Ovarian Cancer; OVARIAN CANCER, SUSCEPTIBILITY TO. Identifiers: Orphanet 145, MedGen C2676676, MONDO:0011450, OMIM 604370. Disease mechanism: loss of function.

Submissions (2):

Evidence-based Network for the Interpretation of Germline Mutant Alleles (ENIGMA)
Classification: Pathogenic for Breast-ovarian cancer, familial, susceptibility to, 1. Last evaluated: 2016-10-18. Review status: reviewed by expert panel. Criteria: ENIGMA BRCA1/2 Classification Criteria (2015). Collection method: curation. Allele origin: germline.
Comment: Variant allele predicted to encode a truncated non-functional protein.

Consortium of Investigators of Modifiers of BRCA1/2 (CIMBA), c/o University of Cambridge
Classification: Pathogenic for Breast-ovarian cancer, familial, susceptibility to, 1. Last evaluated: 2015-10-02. Review status: criteria provided, single submitter. Criteria: CIMBA Mutation Classification guidelines May 2016. Collection method: clinical testing. Allele origin: germline. Not counted in ClinVar's aggregate classification.